The following is an entry in ClinVar:

ClinVar aggregate classification (germline): Conflicting classifications of pathogenicity. Review status: criteria provided, conflicting classifications (1 of 4 stars). 11 submissions from 11 submitters: Pathogenic (4); Likely pathogenic (4); Uncertain significance (1). 2 of the submissions do not count toward it. Last evaluated 2026-06-23.

Conditions:
FGFR3-related disorder. Also called: FGFR3-related disorders.
Muenke syndrome (MNKES). Also called: MUENKE NONSYNDROMIC CORONAL CRANIOSYNOSTOSIS. Identifiers: Orphanet 53271, MedGen C1864436, MONDO:0011274, OMIM 602849.
Hypochondroplasia (HCH). Identifiers: Orphanet 429, MedGen C0410529, MONDO:0007793, OMIM 146000. Disease mechanism: gain of function.

Allele frequency attached by ClinVar (database versions not stated): ExAC 0.00001; gnomAD 0.00001; gnomAD exomes 0.00002 and 0.00001.

Submissions (11):

Genomenon, Inc
Classification: Likely pathogenic for Hypochondroplasia. Last evaluated: 2026-06-23. Review status: criteria provided, single submitter. Criteria: Genomenon Sequence Variant Interpretation Standards - Updated. Collection method: curation. Allele origin: germline. Affected: yes.
Comment: FGFR3 p.Ile538Val (c.1612A>G) is a missense variant that changes the amino acid at codon 538 from Isoleucine to Valine. This variant has been observed in at least one proband with hypochondroplasia (PMID:10215410;28763161;29739731;30753492). The variant was found to segregate with disease in at least one affected family (PMID:10215410;28763161). At least one functional study has demonstrated a substantial alteration in protein function relative to the wild-type (PMID:26992226). This variant is located in a mutational hotspot and/or important functional domain. It is absent or not present at a significant frequency in gnomAD. In silico models predict that this variant is possibly or probably damaging. In conclusion, we classify FGFR3 p.Ile538Val (c.1612A>G) as a likely pathogenic variant.

Dubai Health Genomic Medicine Center, Dubai Health
Classification: Pathogenic for Muenke syndrome. Last evaluated: 2024-10-04. Review status: criteria provided, single submitter. Criteria: ACMG Guidelines, 2015. Collection method: research. Allele origin: germline. Affected: yes.
Comment: PS3,PP1,PS4,PM6

Labcorp Genetics (formerly Invitae), Labcorp
Classification: Pathogenic. Last evaluated: 2024-05-12. Review status: criteria provided, single submitter. Criteria: Invitae Variant Classification Sherloc (09022015). Collection method: clinical testing. Allele origin: germline.
Comment: This sequence change replaces isoleucine, which is neutral and non-polar, with valine, which is neutral and non-polar, at codon 538 of the FGFR3 protein (p.Ile538Val). This variant is present in population databases (rs80053154, gnomAD 0.005%). This missense change has been observed in individuals with clinical features of FGFR3-related conditions and/or clinical features of hypochondroplasia (PMID: 10215410, 28763161, 30753492; Invitae). It has also been observed to segregate with disease in related individuals. ClinVar contains an entry for this variant (Variation ID: 16345). Advanced modeling of protein sequence and biophysical properties (such as structural, functional, and spatial information, amino acid conservation, physicochemical variation, residue mobility, and thermodynamic stability) has been performed at Invitae for this missense variant, however the output from this modeling did not meet the statistical confidence thresholds required to predict the impact of this variant on FGFR3 protein function. Experimental studies have shown that this missense change affects FGFR3 function (PMID: 26992226). For these reasons, this variant has been classified as Pathogenic.

GeneDx
Classification: Uncertain significance. Last evaluated: 2023-05-24. Review status: criteria provided, single submitter. Criteria: GeneDx Variant Classification Process June 2021. Collection method: clinical testing. Allele origin: germline. Affected: yes.
Comment: In silico analysis supports that this missense variant does not alter protein structure/function; This variant is associated with the following publications: (PMID: 10215410, 34006472, 34662886, 29758562, 29739731, 30753492, 35627109, 28763161)

MGZ Medical Genetics Center
Classification: Likely pathogenic for Hypochondroplasia. Last evaluated: 2022-02-24. Review status: criteria provided, single submitter. Criteria: ACMG Guidelines, 2015. Collection method: clinical testing. Allele origin: germline. Affected: yes. Observed: 1 variant allele.
Comment: ACMG criteria applied: PS4_MOD, PM1_SUP, PM2_SUP, PP1, PP3

Blueprint Genetics
Classification: Likely pathogenic for FGFR3-related disorders. Last evaluated: 2020-02-26. Review status: criteria provided, single submitter. Criteria: ACMG Guidelines, 2015. Collection method: clinical testing. Allele origin: germline. Affected: yes. Observed: 2 variant alleles.

Clinical Genetics and Genomics, Karolinska University Hospital
Classification: Pathogenic. Last evaluated: 2015-02-24. Review status: criteria provided, single submitter. Criteria: ACMG Guidelines, 2015. Collection method: clinical testing. Allele origin: germline. Affected: yes. Observed: 1 variant allele.

Center of Excellence in Precision Medicine and Digital Health (CEPMDH), Faculty of Dentistry, Chulalongkorn University
Classification: Pathogenic for Hypochondroplasia. Review status: criteria provided, single submitter. Criteria: ACMG Guidelines, 2015. Collection method: clinical testing. Allele origin: germline. Inheritance: Autosomal dominant inheritance. Affected: yes. Observed: 2 variant alleles, 2 heterozygotes.
Comment: This mutation has been previously reported in a Swedish family with typical HCH (Grigelioniene et al., 1998).

Juno Genomics, Hangzhou Juno Genomics, Inc
Classification: Likely pathogenic for Hypochondroplasia. Review status: criteria provided, single submitter. Criteria: ACMG Guidelines, 2015. Collection method: clinical testing. Allele origin: germline. Affected: yes.
Comment: Absent from controls (or at extremely low frequency if recessive) in Genome Aggregation Database, Exome Sequencing Project, 1000 Genomes Project, or Exome Aggregation Consortium.;Multiple lines of computational evidence support a deleterious effect on the gene or gene product (conservation, evolutionary, splicing impact, etc).;The prevalence of the variant in affected individuals is significantly increased compared to the prevalence in controls.;Co-segregation with disease in multiple affected family members in a gene definitively known to cause the disease.;Assumed de novo, but without confirmation of paternity and maternity.;Patient's phenotype or family history is highly specific for a disease with a single genetic etiology.

Beijing Key Laboratory for Genetic Research of Skeletal Deformity, Peking Union Medical College Hospital
Classification: Likely pathogenic for Hypochondroplasia. Last evaluated: 2019-05-31. Review status: no assertion criteria provided. Collection method: research. Allele origin: unknown. Affected: yes. Not counted in ClinVar's aggregate classification.

OMIM
Classification: Pathogenic for HYPOCHONDROPLASIA. Last evaluated: 1998-01-01. Review status: no assertion criteria provided. Collection method: literature only. Allele origin: germline. Not counted in ClinVar's aggregate classification.

Literature cited by the submitters: PubMed 10215410 (cited by Labcorp Genetics (formerly Invitae), Labcorp and OMIM); PubMed 28763161 (cited by Labcorp Genetics (formerly Invitae), Labcorp and Center of Excellence in Precision Medicine and Digital Health (CEPMDH), Faculty of Dentistry, Chulalongkorn University); PubMed 30753492 (cited by Labcorp Genetics (formerly Invitae), Labcorp); PubMed 26992226 (cited by Labcorp Genetics (formerly Invitae), Labcorp).

NM_000142.5(FGFR3):c.1612A>G (p.Ile538Val)

Gene: FGFR3 (fibroblast growth factor receptor 3; plus strand). Cytogenetic location: 4p16.3.
Variant type: single nucleotide variant.
Coding change: c.1612A>G on transcript NM_000142.5 (MANE Select); coding-DNA position 1612, A replaced by G.
Protein change: p.Ile538Val; replaces isoleucine 538 with valine.
Molecular consequence: missense variant. On other transcripts: non-coding transcript variant (1).
Genome position (GRCh38, 1-based): chr4:1,805,636, A>G. VCF-style: chr4-1805636-A-G. GRCh37 (hg19) VCF-style: chr4-1807363-A-G.
Other names: c.1618A>G, p.Ile540Val (NM_001163213.2); c.1615A>G, p.Ile539Val (NM_001354809.2, NM_001354810.2); c.1276A>G, p.Ile426Val (NM_022965.4); short protein forms I538V, I540V, I426V, I539V.
Identifiers: ClinVar variation 16345 (VCV000016345.21), dbSNP rs80053154, ClinGen allele CA341417.
Genomic context (GRCh38, chr4:1,805,636, plus strand): 5'-GACCTGTCGGACCTGGTGTCTGAGATGGAGATGATGAAGATGATCGGGAAACACAAAAAC[A>G]TCATCAACCTGCTGGGCGCCTGCACGCAGGGCGGTAGGTGCGGTAGCGGCGGTGGTGCCG-3'
Protein context (NP_000133.1, residues 528-548): MMKMIGKHKN[Ile538Val]INLLGACTQG